The following is an entry in ClinVar:

ClinVar aggregate classification (germline): Benign/Likely benign. Review status: criteria provided, multiple submitters, no conflicts (2 of 4 stars). 6 submissions from 4 submitters: Benign (4); Likely benign (1). 1 of the submissions does not count toward it. Last evaluated 2024-07-09.

Conditions:
Greig cephalopolysyndactyly syndrome (GCPS). Also called: POLYSYNDACTYLY WITH PECULIAR SKULL SHAPE; GLI3-Related Greig Cephalopolysyndactyly Syndrome; Greig syndrome. Identifiers: Orphanet 380, MedGen C0265306, MONDO:0008287, OMIM 175700.
Pallister-Hall syndrome (PHS). Also called: HYPOTHALAMIC HAMARTOBLASTOMA, HYPOPITUITARISM, IMPERFORATE ANUS, AND POSTAXIAL POLYDACTYLY; GLI3-Related Pallister-Hall Syndrome. Identifiers: Orphanet 672, MedGen C0265220, MONDO:0007804, OMIM 146510.
Polydactyly. Also called: polydactylism. Identifiers: MedGen C0152427, MONDO:0021003, OMIM 603596, HP:0010442.
GLI3-related disorder. Also called: GLI3-related disorders; GLI3-related condition. Identifiers: MedGen CN239292.

Allele frequency attached by ClinVar (database versions not stated): TOPMed 0.00014; 1000 Genomes Project 30x 0.00016; 1000 Genomes Project 0.00020; ExAC 0.00030.
gnomAD v4.1: 252 of 1,614,010 alleles (0.016%); highest among the groups gnomAD compares: East Asian, 0.48%; 1 homozygote.

Submissions (6):

Blueprint Genetics
Classification: Likely benign. Last evaluated: 2024-07-09. Review status: criteria provided, single submitter. Criteria: ACMG Guidelines, 2015. Collection method: clinical testing. Allele origin: germline.

Labcorp Genetics (formerly Invitae), Labcorp
Classification: Benign for Pallister-Hall syndrome; Greig cephalopolysyndactyly syndrome. Last evaluated: 2024-03-05. Review status: criteria provided, single submitter. Criteria: Invitae Variant Classification Sherloc (09022015). Collection method: clinical testing. Allele origin: germline.

Illumina Laboratory Services, Illumina
Classification: Benign for Pallister-Hall syndrome. Last evaluated: 2018-01-12. Review status: criteria provided, single submitter. Criteria: ICSL Variant Classification Criteria 13 December 2019. Collection method: clinical testing. Allele origin: germline.
Comment: This variant was observed in the ICSL laboratory as part of a predisposition screen in an ostensibly healthy population. It had not been previously curated by ICSL or reported in the Human Gene Mutation Database (HGMD: prior to June 1st, 2018), and was therefore a candidate for classification through an automated scoring system. Utilizing variant allele frequency, disease prevalence and penetrance estimates, and inheritance mode, an automated score was calculated to assess if this variant is too frequent to cause the disease. Based on the score and internal cut-off values, a variant classified as benign is not then subjected to further curation. The score for this variant resulted in a classification of benign for this disease.

Illumina Laboratory Services, Illumina
Classification: Benign for Greig cephalopolysyndactyly syndrome. Last evaluated: 2018-01-12. Review status: criteria provided, single submitter. Criteria: ICSL Variant Classification Criteria 13 December 2019. Collection method: clinical testing. Allele origin: germline.
Comment: the same text as in the submission from Illumina Laboratory Services, Illumina above.

Illumina Laboratory Services, Illumina
Classification: Benign for Polydactyly. Last evaluated: 2018-01-12. Review status: criteria provided, single submitter. Criteria: ICSL Variant Classification Criteria 13 December 2019. Collection method: clinical testing. Allele origin: germline.
Comment: the same text as in the submission from Illumina Laboratory Services, Illumina above.

PreventionGenetics, part of Exact Sciences
Classification: Likely benign for GLI3-related condition. Last evaluated: 2022-03-31. Review status: no assertion criteria provided. Collection method: clinical testing. Allele origin: germline. Not counted in ClinVar's aggregate classification.
Comment: This variant is classified as likely benign based on ACMG/AMP sequence variant interpretation guidelines (Richards et al. 2015 PMID: 25741868, with internal and published modifications).

NM_000168.6(GLI3):c.2083G>A (p.Val695Ile)

Gene: GLI3 (GLI family zinc finger 3; minus strand). Cytogenetic location: 7p14.1.
Variant type: single nucleotide variant.
Coding change: c.2083G>A on transcript NM_000168.6 (MANE Select); coding-DNA position 2083, G replaced by A.
Protein change: p.Val695Ile; replaces valine 695 with isoleucine.
Molecular consequence: missense variant.
Genome position (GRCh38, 1-based): chr7:41,972,357, C>T on the plus strand (G>A on the coding strand, the complement: GLI3 is on the minus strand). VCF-style: chr7-41972357-C-T. GRCh37 (hg19) VCF-style: chr7-42011956-C-T.
Other names: short protein forms V695I.
Identifiers: ClinVar variation 360239 (VCV000360239.15), dbSNP rs199606102, ClinGen allele CA4230694.